The following is an entry in ClinVar:

ClinVar aggregate classification (germline): Uncertain significance. Review status: criteria provided, multiple submitters, no conflicts (2 of 4 stars). 2 submissions from 2 submitters: Uncertain significance (2). Last evaluated 2022-10-04.

Conditions:
Epidermolysis bullosa simplex 5B, with muscular dystrophy (EBS5B). Also called: Epidermolysis bullosa simplex with muscular dystrophy; EPIDERMOLYSIS BULLOSA SIMPLEX AND LIMB-GIRDLE MUSCULAR DYSTROPHY. Identifiers: Orphanet 257, MedGen C2931072, MONDO:0009181, OMIM 226670.
Epidermolysis bullosa simplex, Ogna type (EBS5A). Also called: Pidermolysis bullosa simplex 5A, Ogna type; EPIDERMOLYSIS BULLOSA SIMPLEX 5A, OGNA TYPE. Identifiers: Orphanet 79401, MedGen C0432317, MONDO:0007555, OMIM 131950.
Epidermolysis bullosa simplex with nail dystrophy (EBS5D). Identifiers: MedGen C4225309, MONDO:0014661, OMIM 616487.
Autosomal recessive limb-girdle muscular dystrophy type 2Q (LGMDR17). Also called: MUSCULAR DYSTROPHY, LIMB-GIRDLE, AUTOSOMAL RECESSIVE 17. Identifiers: Orphanet 254361, MedGen C3150989, MONDO:0013390, OMIM 613723.
Epidermolysis bullosa simplex 5C, with pyloric atresia (EBS5C). Also called: PLEC-Related Epidermolysis Bullosa with Pyloric Atresia; Epidermolysis bullosa simplex with pyloric atresia; PLEC1-Related Epidermolysis Bullosa with Pyloric Atresia. Identifiers: Orphanet 158684, MedGen C2677349, MONDO:0012807, OMIM 612138.

Allele frequency attached by ClinVar (database versions not stated): TOPMed below 0.00001.
gnomAD v4.1: 2 of 1,580,878 alleles (0.00013%); highest among the groups gnomAD compares: Admixed American, 0.0018%; no homozygotes.

Submissions (2):

Labcorp Genetics (formerly Invitae), Labcorp
Classification: Uncertain significance for Autosomal recessive limb-girdle muscular dystrophy type 2Q; Epidermolysis bullosa simplex, Ogna type; Epidermolysis bullosa simplex with nail dystrophy; Epidermolysis bullosa simplex 5C, with pyloric atresia; Epidermolysis bullosa simplex 5B, with muscular dystrophy. Last evaluated: 2022-10-04. Review status: criteria provided, single submitter. Criteria: Invitae Variant Classification Sherloc (09022015). Collection method: clinical testing. Allele origin: germline.
Comment: In summary, the available evidence is currently insufficient to determine the role of this variant in disease. Therefore, it has been classified as a Variant of Uncertain Significance. Advanced modeling of protein sequence and biophysical properties (such as structural, functional, and spatial information, amino acid conservation, physicochemical variation, residue mobility, and thermodynamic stability) performed at Invitae indicates that this missense variant is expected to disrupt PLEC protein function. ClinVar contains an entry for this variant (Variation ID: 595564). This variant has not been reported in the literature in individuals affected with PLEC-related conditions. This variant is not present in population databases (gnomAD no frequency). This sequence change replaces serine, which is neutral and polar, with phenylalanine, which is neutral and non-polar, at codon 1108 of the PLEC protein (p.Ser1108Phe).

Eurofins Ntd Llc (ga)
Classification: Uncertain significance. Last evaluated: 2017-12-29. Review status: criteria provided, single submitter. Criteria: EGL Classification Definitions 2015. Collection method: clinical testing. Allele origin: germline. Observed: 1 variant allele, 1 heterozygote.

NM_201384.3(PLEC):c.3242C>T (p.Ser1081Phe)

Gene: PLEC (plectin; minus strand). Cytogenetic location: 8q24.3.
Variant type: single nucleotide variant.
Coding change: c.3242C>T on transcript NM_201384.3 (MANE Select); coding-DNA position 3242, C replaced by T.
Protein change: p.Ser1081Phe; replaces serine 1081 with phenylalanine.
Molecular consequence: missense variant.
Genome position (GRCh38, 1-based): chr8:143,929,121, G>A on the plus strand (C>T on the coding strand, the complement: PLEC is on the minus strand). VCF-style: chr8-143929121-G-A. GRCh37 (hg19) VCF-style: chr8-145003289-G-A.
Other names: c.3323C>T, p.Ser1108Phe (NM_000445.5); c.3200C>T, p.Ser1067Phe (NM_201378.4); c.3176C>T, p.Ser1059Phe (NM_201379.3); c.3653C>T, p.Ser1218Phe (NM_201380.4); c.3146C>T, p.Ser1049Phe (NM_201381.3); c.3242C>T, p.Ser1081Phe (NM_201382.4); c.3254C>T, p.Ser1085Phe (NM_201383.3); short protein forms S1059F, S1067F, S1049F, S1085F, S1108F, S1081F, S1218F.
Identifiers: ClinVar variation 595564 (VCV000595564.12), dbSNP rs1305350735, ClinGen allele CA372568523.